The following is an entry in ClinVar:

NM_178857.6(RP1L1):c.7149C>T (p.Pro2383=)

Gene: RP1L1 (RP1 like 1). Cytogenetic location: 8p23.1.
Variant type: single nucleotide variant.
Coding change: c.7149C>T on transcript NM_178857.6 (MANE Select); coding-DNA position 7149, C replaced by T.
Protein change: p.Pro2383=; no amino-acid change (proline 2383 retained).
Molecular consequence: synonymous variant.
Genome position (GRCh38, 1-based): chr8:10,606,949, G>A on the plus strand (C>T on the coding strand, the complement: RP1L1 is on the minus strand). VCF-style: chr8-10606949-G-A. GRCh37 (hg19) VCF-style: chr8-10464459-G-A.
Other names: c.7149C>T (NM_178857.5).
Identifiers: ClinVar variation 4898851 (VCV004898851.2).

ClinVar aggregate classification (germline): Likely benign. Review status: criteria provided, multiple submitters, no conflicts (2 of 4 stars). 2 submissions from 2 submitters: Likely benign (2). Last evaluated 2025-09-17.

Conditions:
RP1L1-related disorder. Also called: RP1L1-related condition.

gnomAD v4.1: 17 of 1,614,240 alleles (0.0011%); highest among the groups gnomAD compares: Non-Finnish European, 0.0014%; no homozygotes.

Submissions (2):

PreventionGenetics, part of Exact Sciences
Classification: Likely benign for RP1L1-related condition. Last evaluated: 2025-09-17. Review status: criteria provided, single submitter. Criteria: ACMG Guidelines, 2015. Collection method: clinical testing. Allele origin: germline.
Comment: This variant is classified as likely benign based on ACMG/AMP sequence variant interpretation guidelines (Richards et al. 2015 PMID: 25741868, with internal and published modifications).

Blueprint Genetics
Classification: Likely benign. Last evaluated: 2021-11-09. Review status: criteria provided, single submitter. Criteria: ACMG Guidelines, 2015. Collection method: clinical testing. Allele origin: germline.